The following is an entry in ClinVar:

ClinVar aggregate classification (germline): Pathogenic. Review status: criteria provided, multiple submitters, no conflicts (2 of 4 stars). 2 submissions from 2 submitters: Pathogenic (2). Last evaluated 2025-12-06.

Conditions:
Neurofibromatosis, type 1 (NF1). Also called: VON RECKLINGHAUSEN DISEASE; Peripheral type neurofibromatosis; NEUROFIBROMATOSIS, TYPE I, SOMATIC; Neurofibromatosis, type I. Identifiers: Orphanet 636, MedGen C0027831, MONDO:0018975, OMIM 162200. Disease mechanism: loss of function.

Submissions (2):

Labcorp Genetics (formerly Invitae), Labcorp
Classification: Pathogenic for Neurofibromatosis, type 1. Last evaluated: 2025-12-06. Review status: criteria provided, single submitter. Criteria: Invitae Variant Classification Sherloc (09022015). Collection method: clinical testing. Allele origin: germline.
Comment: This sequence change creates a premature translational stop signal (p.Ile581Thrfs*5) in the NF1 gene. It is expected to result in an absent or disrupted protein product. Loss-of-function variants in NF1 are known to be pathogenic (PMID: 10712197, 23913538). This variant is not present in population databases (gnomAD no frequency). This variant has not been reported in the literature in individuals affected with NF1-related conditions. ClinVar contains an entry for this variant (Variation ID: 1071643). For these reasons, this variant has been classified as Pathogenic.

GeneDx
Classification: Pathogenic. Last evaluated: 2022-06-30. Review status: criteria provided, single submitter. Criteria: GeneDx Variant Classification Process June 2021. Collection method: clinical testing. Allele origin: germline. Affected: yes.
Comment: Frameshift variant predicted to result in protein truncation or nonsense mediated decay in a gene for which loss of function is a known mechanism of disease; Not observed at significant frequency in large population cohorts (gnomAD); Has not been previously published as pathogenic or benign to our knowledge

Literature cited by the submitters: PubMed 10712197 (cited by Labcorp Genetics (formerly Invitae), Labcorp); PubMed 23913538 (cited by Labcorp Genetics (formerly Invitae), Labcorp).

NM_001042492.3(NF1):c.1742del (p.Ile581fs)

Gene: NF1 (neurofibromin 1; plus strand). Cytogenetic location: 17q11.2.
Variant type: Deletion.
Coding change: c.1742del on transcript NM_001042492.3 (MANE Select); coding-DNA position 1742, one base deleted (T; older notation c.1742delT).
Protein change: p.Ile581fs; shifts the reading frame from isoleucine 581.
Molecular consequence: frameshift variant.
Genome position (GRCh38, 1-based): chr17:31,223,464, T deleted. VCF-style (leftmost placement, unchanged base first): chr17-31223463-AT-A. GRCh37 (hg19) VCF-style: chr17-29550481-AT-A.
Other names: c.1742delT, p.Ile581Thrfs (NM_000267.4); short protein forms I581fs.
Identifiers: ClinVar variation 1071643 (VCV001071643.6), dbSNP rs2144015861, ClinGen allele CA2499224032.